The following is an entry in ClinVar:

NM_001122630.2(CDKN1C):c.479_496dup (p.Ala165_Val166insAlaProValAlaValAla)

Gene: CDKN1C (cyclin dependent kinase inhibitor 1C; minus strand). Cytogenetic location: 11p15.4.
Variant type: Duplication.
Coding change: c.479_496dup on transcript NM_001122630.2 (MANE Select); coding-DNA positions 479 to 496, 18 bases duplicated (CTCCGGTCGCGGTCGCGG).
Protein change: p.Ala165_Val166insAlaProValAlaValAla.
Molecular consequence: inframe insertion. On other transcripts: intron variant (1).
Genome position (GRCh38, 1-based): chr11:2,884,961-2,884,978, CCGCGACCGCGACCGGAG duplicated on the plus strand (CTCCGGTCGCGGTCGCGG on the coding strand, the reverse complement: CDKN1C is on the minus strand); duplicating any 18 consecutive bases within chr11:2,884,961-2,884,987 gives the same sequence; the c. name uses the placement nearest the transcript's 3' end. VCF-style (leftmost placement, unchanged base first): chr11-2884960-A-ACCGCGACCGCGACCGGAG. GRCh37 (hg19) VCF-style: chr11-2906190-A-ACCGCGACCGCGACCGGAG.
Other names: c.512_529dup, p.Ala176_Val177insAlaProValAlaValAla (NM_001362474.2, NM_000076.2); c.255+224_255+241dup (NM_001362475.2); c.479_496dup, p.Ala165_Val166insAlaProValAlaValAla (NM_001122631.2).
Identifiers: ClinVar variation 2009038 (VCV002009038.4), dbSNP rs1064792992, ClinGen allele CA2580082677.

ClinVar aggregate classification (germline): Uncertain significance (1 of 4 stars; one submission).

Conditions:
Beckwith-Wiedemann syndrome (BWS). Also called: Exomphalos macroglossia gigantism syndrome; EMG SYNDROME. Identifiers: Orphanet 116, MedGen C0004903, MONDO:0007534, OMIM 130650.

Submission:

Labcorp Genetics (formerly Invitae), Labcorp
Classification: Uncertain significance for Beckwith-Wiedemann syndrome. Last evaluated: 2022-06-22. Review status: criteria provided, single submitter. Criteria: Invitae Variant Classification Sherloc (09022015). Collection method: clinical testing. Allele origin: germline.
Comment: In summary, the available evidence is currently insufficient to determine the role of this variant in disease. Therefore, it has been classified as a Variant of Uncertain Significance. This variant has not been reported in the literature in individuals affected with CDKN1C-related conditions. The frequency data for this variant in the population databases is considered unreliable, as metrics indicate insufficient coverage at this position in the gnomAD database. This variant, c.512_529dup, results in the insertion of 6 amino acid(s) of the CDKN1C protein (p.Ala171_Ala176dup), but otherwise preserves the integrity of the reading frame.